The following is an entry in ClinVar:

ClinVar aggregate classification (germline): Uncertain significance (1 of 4 stars; one submission).

Conditions:
Severe combined immunodeficiency due to CORO1A deficiency. Also called: Immunodeficiency 8; IMMUNODEFICIENCY 8 WITH LYMPHOPROLIFERATION. Identifiers: Orphanet 228003, MedGen C3809383, MONDO:0014168, OMIM 615401.

Submission:

Labcorp Genetics (formerly Invitae), Labcorp
Classification: Uncertain significance for Severe combined immunodeficiency due to CORO1A deficiency. Last evaluated: 2020-01-01. Review status: criteria provided, single submitter. Criteria: Invitae Variant Classification Sherloc (09022015). Collection method: clinical testing. Allele origin: germline.
Comment: This variant has not been reported in the literature in individuals with CORO1A-related conditions. In summary, the available evidence is currently insufficient to determine the role of this variant in disease. Therefore, it has been classified as a Variant of Uncertain Significance. Nucleotide substitutions within the consensus splice site are a relatively common cause of aberrant splicing (PMID: 17576681, 9536098). Algorithms developed to predict the effect of sequence changes on RNA splicing suggest that this variant may disrupt the consensus splice site, but this prediction has not been confirmed by published transcriptional studies. This variant is not present in population databases (ExAC no frequency). This sequence change falls in intron 5 of the CORO1A gene. It does not directly change the encoded amino acid sequence of the CORO1A protein, but it affects a nucleotide within the consensus splice site of the intron.

Literature cited by the submitters: PubMed 17576681; PubMed 9536098.

NM_007074.4(CORO1A):c.636+3G>C

Genes: CORO1A (coronin 1A; plus strand), LOC121587541 (Sharpr-MPRA regulatory region 7413; plus strand). Cytogenetic location: 16p11.2.
Variant type: single nucleotide variant.
Coding change: c.636+3G>C on transcript NM_007074.4 (MANE Select); 3 bases into the intron after coding-DNA position 636, G replaced by C.
Molecular consequence: intron variant.
Genome position (GRCh38, 1-based): chr16:30,187,226, G>C. VCF-style: chr16-30187226-G-C. GRCh37 (hg19) VCF-style: chr16-30198547-G-C.
Other names: c.636+3G>C (NM_001193333.3).
Identifiers: ClinVar variation 1026455 (VCV001026455.11), dbSNP rs2073349993, ClinGen allele CA2216442464.